The following is an entry in ClinVar:

ClinVar aggregate classification (germline): Uncertain significance (1 of 4 stars; one submission).

Conditions:
Atrioventricular septal defect 4 (AVSD4). Identifiers: MedGen C3280781, MONDO:0013747, OMIM 614430.

Allele frequency attached by ClinVar (database versions not stated): gnomAD exomes below 0.00001 and 0.00001; ExAC 0.00001; TOPMed 0.00001.
gnomAD v4.1: 2 of 1,612,590 alleles (0.00012%); highest among the groups gnomAD compares: Admixed American, 0.0033%; no homozygotes.

Submission:

Labcorp Genetics (formerly Invitae), Labcorp
Classification: Uncertain significance for Atrioventricular septal defect 4. Last evaluated: 2026-02-02. Review status: criteria provided, single submitter. Criteria: Invitae Variant Classification Sherloc (09022015). Collection method: clinical testing. Allele origin: germline.
Comment: This sequence change affects codon 303 of the GATA4 mRNA. It is a 'silent' change, meaning that it does not change the encoded amino acid sequence of the GATA4 protein. This variant also falls at the last nucleotide of exon 4, which is part of the consensus splice site for this exon. This variant is present in population databases (rs773684507, gnomAD 0.006%). This variant has not been reported in the literature in individuals affected with GATA4-related conditions. ClinVar contains an entry for this variant (Variation ID: 1519604). Variants that disrupt the consensus splice site are a relatively common cause of aberrant splicing (PMID: 17576681, 9536098). Algorithms developed to predict the effect of sequence changes on RNA splicing suggest that this variant is not likely to affect RNA splicing. In summary, the available evidence is currently insufficient to determine the role of this variant in disease. Therefore, it has been classified as a Variant of Uncertain Significance.

Literature cited by the submitters: PubMed 17576681; PubMed 9536098.

NM_001308093.3(GATA4):c.912G>A (p.Gly304=)

Gene: GATA4 (GATA binding protein 4). Cytogenetic location: 8p23.1.
Variant type: single nucleotide variant.
Coding change: c.912G>A on transcript NM_001308093.3 (MANE Select); coding-DNA position 912, G replaced by A.
Protein change: p.Gly304=; no amino-acid change (glycine 304 retained).
Molecular consequence: synonymous variant. On other transcripts: intron variant (1).
Genome position (GRCh38, 1-based): chr8:11,750,236, G>A. VCF-style: chr8-11750236-G-A. GRCh37 (hg19) VCF-style: chr8-11607745-G-A.
Other names: c.291G>A, p.Gly97= (NM_001308094.2, NM_001374273.1); c.909G>A, p.Gly303= (NM_002052.5); c.165+1151G>A (NM_001374274.1).
Identifiers: ClinVar variation 1519604 (VCV001519604.6), dbSNP rs773684507, ClinGen allele CA4630730.
Genomic context (GRCh38, chr8:11,750,236, plus strand): 5'-CCGCAATGCGGAGGGCGAGCCTGTGTGCAATGCCTGCGGCCTCTACATGAAGCTCCACGG[G>A]GTACGTGGGTCCTGCGCCCATGCGGCATCCTTGCCTTCTGATGCCCATCTCTCAGTCCTC-3'
Protein context (NP_001295022.1, residues 294-314): NACGLYMKLH[Gly304=]VPRPLAMRKE